The following is an entry in ClinVar:

ClinVar aggregate classification (germline): Uncertain significance (1 of 4 stars; one submission).

Allele frequency attached by ClinVar (database versions not stated): ExAC 0.00003; gnomAD 0.00003; TOPMed 0.00003; gnomAD exomes 0.00005.
gnomAD v4.1: 82 of 1,613,874 alleles (0.0051%); highest among the groups gnomAD compares: Middle Eastern, 0.049%; no homozygotes.

Submission:

Labcorp Genetics (formerly Invitae), Labcorp
Classification: Uncertain significance. Last evaluated: 2025-11-08. Review status: criteria provided, single submitter. Criteria: Invitae Variant Classification Sherloc (09022015). Collection method: clinical testing. Allele origin: germline.
Comment: This sequence change replaces arginine, which is basic and polar, with histidine, which is basic and polar, at codon 218 of the DCHS1 protein (p.Arg218His). This variant is present in population databases (rs746360169, gnomAD 0.02%). This variant has not been reported in the literature in individuals affected with DCHS1-related conditions. ClinVar contains an entry for this variant (Variation ID: 1905610). Invitae Evidence Modeling of protein sequence and biophysical properties (such as structural, functional, and spatial information, amino acid conservation, physicochemical variation, residue mobility, and thermodynamic stability) indicates that this missense variant is not expected to disrupt DCHS1 protein function with a negative predictive value of 95%. In summary, the available evidence is currently insufficient to determine the role of this variant in disease. Therefore, it has been classified as a Variant of Uncertain Significance.

NM_003737.4(DCHS1):c.653G>A (p.Arg218His)

Gene: DCHS1 (dachsous cadherin-related 1; minus strand). Cytogenetic location: 11p15.4.
Variant type: single nucleotide variant.
Coding change: c.653G>A on transcript NM_003737.4 (MANE Select); coding-DNA position 653, G replaced by A.
Protein change: p.Arg218His; replaces arginine 218 with histidine.
Molecular consequence: missense variant.
Genome position (GRCh38, 1-based): chr11:6,640,961, C>T on the plus strand (G>A on the coding strand, the complement: DCHS1 is on the minus strand). VCF-style: chr11-6640961-C-T. GRCh37 (hg19) VCF-style: chr11-6662192-C-T.
Other names: short protein forms R218H.
Identifiers: ClinVar variation 1905610 (VCV001905610.5), dbSNP rs746360169, ClinGen allele CA5861114.